The following is an entry in ClinVar:

NM_000059.4(BRCA2):c.2840T>A (p.Leu947Ter)

Gene: BRCA2 (BRCA2 DNA repair associated; plus strand). Cytogenetic location: 13q13.1.
Variant type: single nucleotide variant.
Coding change: c.2840T>A on transcript NM_000059.4 (MANE Select); coding-DNA position 2840, T replaced by A.
Protein change: p.Leu947Ter; replaces leucine 947 with a stop codon.
Molecular consequence: nonsense. On other transcripts: non-coding transcript variant (1), intron variant (2).
Genome position (GRCh38, 1-based): chr13:32,337,195, T>A. VCF-style: chr13-32337195-T-A. GRCh37 (hg19) VCF-style: chr13-32911332-T-A.
Other names: c.2840T>A, p.Leu947Ter (NM_001406719.1, NM_001406720.1); c.1909+3808T>A (NM_001406721.1); c.424+6165T>A (NM_001406722.1); short protein forms L947*.
Identifiers: ClinVar variation 2840867 (VCV002840867.3), dbSNP rs2548524738, ClinGen allele CA387773887.

ClinVar aggregate classification (germline): Pathogenic (1 of 4 stars; one submission).

Conditions:
Hereditary breast ovarian cancer syndrome. Also called: Hereditary breast and ovarian cancer syndrome (HBOC); Breast and ovarian cancer; BRCA1- and BRCA2-Associated Hereditary Breast and Ovarian Cancer; Hereditary breast and ovarian cancer syndrome; Hereditary breast and ovarian cancer; Hereditary breast and/or ovarian cancer syndrome. Identifiers: Orphanet 145, MedGen C0677776, MeSH D061325, MONDO:0003582. Disease mechanism: loss of function.

Submission:

Labcorp Genetics (formerly Invitae), Labcorp
Classification: Pathogenic for Hereditary breast ovarian cancer syndrome. Last evaluated: 2023-02-25. Review status: criteria provided, single submitter. Criteria: Invitae Variant Classification Sherloc (09022015). Collection method: clinical testing. Allele origin: germline.
Comment: For these reasons, this variant has been classified as Pathogenic. This variant has not been reported in the literature in individuals affected with BRCA2-related conditions. This sequence change creates a premature translational stop signal (p.Leu947*) in the BRCA2 gene. It is expected to result in an absent or disrupted protein product. Loss-of-function variants in BRCA2 are known to be pathogenic (PMID: 20104584). This variant is not present in population databases (gnomAD no frequency).

Literature cited by the submitters: PubMed 20104584.